The following is an entry in ClinVar:

ClinVar aggregate classification (germline): Conflicting classifications of pathogenicity. Review status: criteria provided, conflicting classifications (1 of 4 stars). 3 submissions from 2 submitters: Uncertain significance (2); Likely benign (1). Last evaluated 2026-02-19.

Conditions:
Corneal dystrophy. Identifiers: Orphanet 34533, MedGen C0010036, MONDO:0018102, HP:0001131.
CYP4V2-related disorder. Also called: CYP4V2-related condition; CYP4V2-related disorders.
Bietti crystalline corneoretinal dystrophy (BCD). Also called: BIETTI TAPETORETINAL DEGENERATION WITH MARGINAL CORNEAL DYSTROPHY; Bietti Crystalline Dystrophy. Identifiers: Orphanet 41751, MedGen C1859486, MONDO:0008865, OMIM 210370.

Allele frequency attached by ClinVar (database versions not stated): TOPMed below 0.00001.
gnomAD v4.1: 11 of 1,614,064 alleles (0.00068%); highest among the groups gnomAD compares: Non-Finnish European, 0.00076%; no homozygotes.

Submissions (3):

PreventionGenetics, part of Exact Sciences
Classification: Likely benign for CYP4V2-related condition. Last evaluated: 2026-02-19. Review status: criteria provided, single submitter. Criteria: ACMG Guidelines, 2015. Collection method: clinical testing. Allele origin: germline.
Comment: This variant is classified as likely benign based on ACMG/AMP sequence variant interpretation guidelines (Richards et al. 2015 PMID: 25741868, with internal and published modifications).

Illumina Laboratory Services, Illumina
Classification: Uncertain significance for Bietti crystalline corneoretinal dystrophy. Last evaluated: 2018-01-12. Review status: criteria provided, single submitter. Criteria: ICSL Variant Classification Criteria 13 December 2019. Collection method: clinical testing. Allele origin: germline.

Illumina Laboratory Services, Illumina
Classification: Uncertain significance for Corneal dystrophy. Last evaluated: 2018-01-12. Review status: criteria provided, single submitter. Criteria: ICSL Variant Classification Criteria 13 December 2019. Collection method: clinical testing. Allele origin: germline.

NM_207352.4(CYP4V2):c.987+7T>C

Gene: CYP4V2 (cytochrome P450 family 4 subfamily V member 2; plus strand). Cytogenetic location: 4q35.2.
Variant type: single nucleotide variant.
Coding change: c.987+7T>C on transcript NM_207352.4 (MANE Select); 7 bases into the intron after coding-DNA position 987, T replaced by C.
Molecular consequence: intron variant.
Genome position (GRCh38, 1-based): chr4:186,201,349, T>C. VCF-style: chr4-186201349-T-C. GRCh37 (hg19) VCF-style: chr4-187122503-T-C.
Identifiers: ClinVar variation 899529 (VCV000899529.5), dbSNP rs1736302352, ClinGen allele CA1139655856.
Genomic context (GRCh38, chr4:186,201,349, plus strand): 5'-AACAGGCTAAGTCATGAAGATATTCGAGAAGAAGTTGACACCTTCATGTTTGAGGTATTG[T>C]ATATTGTTAGGTTCAGATATCATTAAACAAATTTCAGTTATTGTTAGAATCTTTAGCATT-3'